The following is an entry in ClinVar:

ClinVar aggregate classification (germline): Uncertain significance (1 of 4 stars; one submission).

gnomAD v4.1: 2 of 1,596,686 alleles (0.00013%); highest among the groups gnomAD compares: South Asian, 0.0023%; no homozygotes.

Submission:

GeneDx
Classification: Uncertain significance. Last evaluated: 2022-04-07. Review status: criteria provided, single submitter. Criteria: GeneDx Variant Classification Process June 2021. Collection method: clinical testing. Allele origin: germline. Affected: yes.
Comment: Not observed at significant frequency in large population cohorts (gnomAD); In silico analysis supports that this missense variant does not alter protein structure/function; Has not been previously published as pathogenic or benign to our knowledge

NM_001813.3(CENPE):c.7556C>A (p.Thr2519Asn)

Gene: CENPE (centromere protein E; minus strand). Cytogenetic location: 4q24.
Variant type: single nucleotide variant.
Coding change: c.7556C>A on transcript NM_001813.3 (MANE Select); coding-DNA position 7556, C replaced by A.
Protein change: p.Thr2519Asn; replaces threonine 2519 with asparagine.
Molecular consequence: missense variant.
Genome position (GRCh38, 1-based): chr4:103,110,996, G>T on the plus strand (C>A on the coding strand, the complement: CENPE is on the minus strand). VCF-style: chr4-103110996-G-T. GRCh37 (hg19) VCF-style: chr4-104032153-G-T.
Other names: c.7193C>A, p.Thr2398Asn (NM_001286734.2); short protein forms T2398N, T2519N.
Identifiers: ClinVar variation 1708718 (VCV001708718.2), dbSNP rs1444027441, ClinGen allele CA357776383.